The following is an entry in ClinVar:

ClinVar aggregate classification (germline): Pathogenic. Review status: criteria provided, multiple submitters, no conflicts (2 of 4 stars). 5 submissions from 5 submitters: Pathogenic (4). 1 of the submissions does not count toward it. Last evaluated 2025-04-17.

Conditions:
Neuropathy, hereditary sensory and autonomic, type 2A (HSAN2A). Also called: WNK1-Related HSAN2 (HSAN2A); ACROOSTEOLYSIS, GIACCAI TYPE; ACROOSTEOLYSIS, NEUROGENIC; HSAN IIA; MORVAN DISEASE; NEUROPATHY, CONGENITAL SENSORY. Identifiers: Orphanet 970, MedGen C2752089, MONDO:0024309, OMIM 201300.
Pseudohypoaldosteronism type 2C (PHA2C). Also called: Pseudohypoaldosteronism Type IIC. Identifiers: Orphanet 757, Orphanet 88940, MedGen C1840391, MONDO:0013778, OMIM 614492.

Allele frequency attached by ClinVar (database versions not stated): gnomAD 0.00001; gnomAD exomes 0.00001.
gnomAD v4.1: 25 of 1,613,856 alleles (0.0015%); highest among the groups gnomAD compares: Admixed American, 0.0033%; no homozygotes.

Submissions (5):

OLLIN Analises Genomicas, OLLIN
Classification: Pathogenic for Neuropathy, hereditary sensory and autonomic, type 2A. Last evaluated: 2025-04-17. Review status: criteria provided, single submitter. Criteria: ACMG Guidelines 2015 PMID 25741868. Collection method: clinical testing. Allele origin: germline. Affected: yes. Observed: 1 variant allele.
Comment: The nonsense variant (chr12:868391C>T), located in exon 9 (of 28), absent from the scientific literature, present in gnomAD v4.1 non-UKB with an allele frequency of 0.00064% (no homozygotes), is reported in homozygous state in an affected individual in ClinVar (VCV000617550.11, SCV000882432.2). This variant introduces a premature stop codon, resulting in a truncated protein or mRNA degradation via nonsense-mediated decay (NMD). According to currently available evidence, this variant has been classified as pathogenic (PVS1, PM2_P, PM3).

Victorian Clinical Genetics Services, Murdoch Childrens Research Institute
Classification: Pathogenic for Neuropathy, hereditary sensory and autonomic, type 2A. Last evaluated: 2023-07-17. Review status: criteria provided, single submitter. Criteria: ACMG Guidelines, 2015. Collection method: clinical testing. Allele origin: germline. Inheritance: Autosomal recessive inheritance. Affected: yes.
Comment: Based on the classification scheme VCGS_Germline_v1.3.4, this variant is classified as Pathogenic. Following criteria are met: 0103 - Loss of function and gain of function are known mechanisms of disease in this gene and are associated with neuropathy, hereditary sensory and autonomic, type II (HSAN; MIM#201300), and pseudohypoaldosteronism, type IIC (PHA2C; MIM#614492), respectively. Variants resulting in a premature termination codon have a loss of function mechanism. Intronic deletions and missense variants within the acidic wnk motif result in increased protein expression and gain of function (PMID: 32790646, PMID: 11498583). (I) 0108 - This gene is associated with both recessive and dominant disease (OMIM). (I) 0201 - Variant is predicted to cause nonsense-mediated decay (NMD) and loss of protein (premature termination codon is located at least 54 nucleotides upstream of the final exon-exon junction). (SP) 0251 - This variant is heterozygous. (I) 0304 - Variant is present in gnomAD (v2) <0.01 for a recessive condition (3 heterozygotes, 0 homozygotes). (SP) 0701 - Other NMD-predicted variants comparable to the one identified in this case have very strong previous evidence for pathogenicity. These variants have been reported more recently as pathogenic, and in individuals with neuropathy, hereditary sensory and autonomic, type II (HSAN) (ClinVar, PMID: 30497409). (SP) 0802 - This variant has moderate previous evidence of pathogenicity in unrelated individuals. This variant has been reported as pathogenic, where one individual was confirmed to be homozygous (ClinVar). (SP) 0905 - No published segregation evidence has been identified for this variant. (I) 1007 - No published functional evidence has been identified for this variant. (I) 1208 - Inheritance information for this variant is not currently available in this individual. (I) Legend: (SP) - Supporting pathogenic, (I) - Information, (SB) - Supporting benign

Labcorp Genetics (formerly Invitae), Labcorp
Classification: Pathogenic for Neuropathy, hereditary sensory and autonomic, type 2A; Pseudohypoaldosteronism type 2C. Last evaluated: 2022-11-08. Review status: criteria provided, single submitter. Criteria: Invitae Variant Classification Sherloc (09022015). Collection method: clinical testing. Allele origin: germline.
Comment: For these reasons, this variant has been classified as Pathogenic. ClinVar contains an entry for this variant (Variation ID: 617550). This variant has not been reported in the literature in individuals affected with WNK1-related conditions. This variant is present in population databases (no rsID available, gnomAD 0.003%). This sequence change creates a premature translational stop signal (p.Gln974*) in the WNK1 gene. It is expected to result in an absent or disrupted protein product. Loss-of-function variants in WNK1 are known to be pathogenic (PMID: 22910560).

Mendelics
Classification: Pathogenic for Neuropathy, hereditary sensory and autonomic, type 2A. Last evaluated: 2019-05-28. Review status: criteria provided, single submitter. Criteria: Mendelics Assertion Criteria 2017. Collection method: clinical testing. Allele origin: unknown.

Department of Neurology, Hospital Garcia de Orta
Classification: Pathogenic for Neuropathy, hereditary sensory and autonomic, type 2A. Last evaluated: 2018-02-14. Review status: no assertion criteria provided. Collection method: clinical testing. Allele origin: unknown. Inheritance: Autosomal recessive inheritance. Affected: yes. Observed: 1 homozygote. Not counted in ClinVar's aggregate classification.

Literature cited by the submitters: PubMed 11498583 (cited by Victorian Clinical Genetics Services, Murdoch Childrens Research Institute); PubMed 30497409 (cited by Victorian Clinical Genetics Services, Murdoch Childrens Research Institute); PubMed 32790646 (cited by Victorian Clinical Genetics Services, Murdoch Childrens Research Institute); PubMed 22910560 (cited by Labcorp Genetics (formerly Invitae), Labcorp).

NM_213655.5(WNK1):c.2920C>T (p.Gln974Ter)

Gene: WNK1 (WNK lysine deficient protein kinase 1; plus strand). Cytogenetic location: 12p13.33.
Variant type: single nucleotide variant.
Coding change: c.2920C>T on transcript NM_213655.5 (MANE Plus Clinical); coding-DNA position 2920, C replaced by T.
Protein change: p.Gln974Ter; replaces glutamine 974 with a stop codon.
Molecular consequence: nonsense. On other transcripts: intron variant (2).
Genome position (GRCh38, 1-based): chr12:868,391, C>T. VCF-style: chr12-868391-C-T. GRCh37 (hg19) VCF-style: chr12-977557-C-T.
Other names: c.2920C>T (NM_213655.4); c.2665C>T, p.Gln889Ter (NM_001184985.2); c.2140-2874C>T (NM_018979.4, NM_014823.3); short protein forms Q974*, Q889*.
Identifiers: ClinVar variation 617550 (VCV000617550.12), dbSNP rs1478989689, ClinGen allele CA383339900.
Genomic context (GRCh38, chr12:868,391, plus strand): 5'-CCATACAACTCATCAGTACTGTCAAGTCCTATGAAACAGATACCTGAACAGAAGCCAGTA[C>T]AAGGGGGCCCTACTTCAAGTTCTGTCTTTGAATTTCCATCTGGACAGGCTTTCCTGGTAG-3'